The following is an entry in ClinVar:

ClinVar aggregate classification (germline): Uncertain significance (1 of 4 stars; one submission).

Submission:

Ambry Genetics
Classification: Uncertain significance. Last evaluated: 2025-06-20. Review status: criteria provided, single submitter. Criteria: Ambry Variant Classification Scheme 2023. Collection method: clinical testing. Allele origin: germline.
Comment: The p.H643Q variant (also known as c.1929C>A), located in coding exon 13 of the CTNNA3 gene, results from a C to A substitution at nucleotide position 1929. The histidine at codon 643 is replaced by glutamine, an amino acid with highly similar properties. This amino acid position is conserved. In addition, this alteration is predicted to be tolerated by in silico analysis. Based on the available evidence, the clinical significance of this variant remains unclear.

NM_013266.4(CTNNA3):c.1929C>A (p.His643Gln)

Genes: CTNNA3 (catenin alpha 3; minus strand), CTNNA3-AS1 (CTNNA3 antisense RNA 1; plus strand). Cytogenetic location: 10q21.3.
Variant type: single nucleotide variant.
Coding change: c.1929C>A on transcript NM_013266.4 (MANE Select); coding-DNA position 1929, C replaced by A.
Protein change: p.His643Gln; replaces histidine 643 with glutamine.
Molecular consequence: missense variant.
Genome position (GRCh38, 1-based): chr10:66,103,205, G>T on the plus strand (C>A on the coding strand, the complement: CTNNA3 is on the minus strand). VCF-style: chr10-66103205-G-T. GRCh37 (hg19) VCF-style: chr10-67862963-G-T.
Other names: c.1929C>A, p.His643Gln (NM_001127384.3); short protein forms H643Q.
Identifiers: ClinVar variation 4235673 (VCV004235673.1).